The following is an entry in ClinVar:

ClinVar aggregate classification (germline): Likely benign. Review status: criteria provided, multiple submitters, no conflicts (2 of 4 stars). 3 submissions from 3 submitters: Likely benign (2). 1 of the submissions does not count toward it. Last evaluated 2026-01-19.

Conditions:
LAMA2-related muscular dystrophy (LAMA2-RD). Also called: Laminin alpha 2-related dystrophy. Identifiers: MedGen C5679788, MONDO:0100228.
LAMA2-related disorder. Also called: LAMA2-related disorders; LAMA2-related condition.

Allele frequency attached by ClinVar (database versions not stated): ExAC 0.00009; gnomAD exomes 0.00010 and 0.00017; TOPMed 0.00014; gnomAD 0.00015; 1000 Genomes Project 30x 0.00016; 1000 Genomes Project 0.00020; ESP Exome Variant Server 0.00031.
gnomAD v4.1: 270 of 1,613,918 alleles (0.017%); highest among the groups gnomAD compares: Non-Finnish European, 0.021%; 2 homozygotes.

Submissions (3):

Labcorp Genetics (formerly Invitae), Labcorp
Classification: Likely benign for LAMA2-related muscular dystrophy. Last evaluated: 2026-01-19. Review status: criteria provided, single submitter. Criteria: Invitae Variant Classification Sherloc (09022015). Collection method: clinical testing. Allele origin: germline.

Blueprint Genetics
Classification: Likely benign. Last evaluated: 2024-11-14. Review status: criteria provided, single submitter. Criteria: ACMG Guidelines, 2015. Collection method: clinical testing. Allele origin: germline.

PreventionGenetics, part of Exact Sciences
Classification: Likely benign for LAMA2-related condition. Last evaluated: 2023-08-23. Review status: no assertion criteria provided. Collection method: clinical testing. Allele origin: germline. Not counted in ClinVar's aggregate classification.
Comment: This variant is classified as likely benign based on ACMG/AMP sequence variant interpretation guidelines (Richards et al. 2015 PMID: 25741868, with internal and published modifications).

NM_000426.4(LAMA2):c.7659A>G (p.Ser2553=)

Gene: LAMA2 (laminin subunit alpha 2; plus strand). Cytogenetic location: 6q22.33.
Variant type: single nucleotide variant.
Coding change: c.7659A>G on transcript NM_000426.4 (MANE Select); coding-DNA position 7659, A replaced by G.
Protein change: p.Ser2553=; no amino-acid change (serine 2553 retained).
Molecular consequence: synonymous variant.
Genome position (GRCh38, 1-based): chr6:129,481,349, A>G. VCF-style: chr6-129481349-A-G. GRCh37 (hg19) VCF-style: chr6-129802494-A-G.
Other names: c.7647A>G, p.Ser2549= (NM_001079823.2).
Identifiers: ClinVar variation 705005 (VCV000705005.14), dbSNP rs149867744, ClinGen allele CA3994632.